The following is an entry in ClinVar:

NM_004360.5(CDH1):c.454C>G (p.Gln152Glu)

Gene: CDH1 (cadherin 1; plus strand). Cytogenetic location: 16q22.1.
Variant type: single nucleotide variant.
Coding change: c.454C>G on transcript NM_004360.5 (MANE Select); coding-DNA position 454, C replaced by G.
Protein change: p.Gln152Glu; replaces glutamine 152 with glutamic acid.
Molecular consequence: missense variant. On other transcripts: 5 prime UTR variant (2).
Genome position (GRCh38, 1-based): chr16:68,808,490, C>G. VCF-style: chr16-68808490-C-G. GRCh37 (hg19) VCF-style: chr16-68842393-C-G.
Other names: c.454C>G (LRG_301t1); c.454C>G, p.Gln152Glu (NM_001317184.2); c.-1162C>G (NM_001317185.2); c.-1366C>G (NM_001317186.2); short protein forms Q152E.
Identifiers: ClinVar variation 439044 (VCV000439044.15), dbSNP rs1555515211, ClinGen allele CA396457648.

ClinVar aggregate classification (germline): Uncertain significance. Review status: criteria provided, multiple submitters, no conflicts (2 of 4 stars). 3 submissions from 3 submitters: Uncertain significance (3). Last evaluated 2025-07-21.

Conditions:
Hereditary cancer-predisposing syndrome. Also called: Hereditary Cancer Syndrome; Hereditary neoplastic syndrome; Tumor predisposition; Neoplastic Syndromes, Hereditary. Identifiers: Orphanet 140162, MedGen C0027672, MeSH D009386, MONDO:0015356.
Hereditary diffuse gastric adenocarcinoma (HDGC). Also called: DIFFUSE GASTRIC AND LOBULAR BREAST CANCER SYNDROME. Identifiers: Orphanet 26106, MedGen C1708349, MONDO:0007648, OMIM 137215.

Allele frequency attached by ClinVar (database versions not stated): gnomAD exomes below 0.00001.
gnomAD v4.1: 1 of 1,614,086 alleles (0.000062%); highest among the groups gnomAD compares: Non-Finnish European, 0.000085%; no homozygotes.

Submissions (3):

Labcorp Genetics (formerly Invitae), Labcorp
Classification: Uncertain significance for Hereditary diffuse gastric adenocarcinoma. Last evaluated: 2025-07-21. Review status: criteria provided, single submitter. Criteria: Invitae Variant Classification Sherloc (09022015). Collection method: clinical testing. Allele origin: germline.
Comment: This sequence change replaces glutamine, which is neutral and polar, with glutamic acid, which is acidic and polar, at codon 152 of the CDH1 protein (p.Gln152Glu). This variant is not present in population databases (gnomAD no frequency). This variant has not been reported in the literature in individuals affected with CDH1-related conditions. ClinVar contains an entry for this variant (Variation ID: 439044). An algorithm developed to predict the effect of missense changes on protein structure and function (PolyPhen-2) suggests that this variant is likely to be tolerated. In summary, the available evidence is currently insufficient to determine the role of this variant in disease. Therefore, it has been classified as a Variant of Uncertain Significance.

Ambry Genetics
Classification: Uncertain significance for Hereditary cancer-predisposing syndrome. Last evaluated: 2023-01-03. Review status: criteria provided, single submitter. Criteria: Ambry Variant Classification Scheme 2023. Collection method: clinical testing. Allele origin: germline.
Comment: The p.Q152E variant (also known as c.454C>G), located in coding exon 4 of the CDH1 gene, results from a C to G substitution at nucleotide position 454. The glutamine at codon 152 is replaced by glutamic acid, an amino acid with highly similar properties. This amino acid position is not well conserved in available vertebrate species. In addition, this alteration is predicted to be tolerated by in silico analysis. Since supporting evidence is limited at this time, the clinical significance of this alteration remains unclear.

Quest Diagnostics Nichols Institute San Juan Capistrano
Classification: Uncertain significance. Last evaluated: 2016-10-24. Review status: criteria provided, single submitter. Criteria: Quest Diagnostics criteria. Collection method: clinical testing. Allele origin: germline.